The following is an entry in ClinVar:

ClinVar aggregate classification (germline): Uncertain significance (1 of 4 stars; one submission).

gnomAD v4.1: 11 of 1,588,662 alleles (0.00069%); highest among the groups gnomAD compares: Admixed American, 0.007%; no homozygotes.

Submission:

Labcorp Genetics (formerly Invitae), Labcorp
Classification: Uncertain significance. Last evaluated: 2021-09-01. Review status: criteria provided, single submitter. Criteria: Invitae Variant Classification Sherloc (09022015). Collection method: clinical testing. Allele origin: germline.
Comment: This sequence change replaces proline with leucine at codon 14 of the ERCC6L2 protein (p.Pro14Leu). The proline residue is weakly conserved and there is a moderate physicochemical difference between proline and leucine. This variant is not present in population databases (ExAC no frequency). This variant has not been reported in the literature in individuals affected with ERCC6L2-related conditions. Algorithms developed to predict the effect of missense changes on protein structure and function output the following: SIFT: "Tolerated"; PolyPhen-2: "Not Available"; Align-GVGD: "Class C0". The leucine amino acid residue is found in multiple mammalian species, which suggests that this missense change does not adversely affect protein function. In summary, the available evidence is currently insufficient to determine the role of this variant in disease. Therefore, it has been classified as a Variant of Uncertain Significance.

NM_020207.7(ERCC6L2):c.8C>T (p.Pro3Leu)

Gene: ERCC6L2 (ERCC excision repair 6 like 2; plus strand). Cytogenetic location: 9q22.32.
Variant type: single nucleotide variant.
Coding change: c.8C>T on transcript NM_020207.7 (MANE Select); coding-DNA position 8, C replaced by T.
Protein change: p.Pro3Leu; replaces proline 3 with leucine.
Molecular consequence: missense variant. On other transcripts: non-coding transcript variant (1).
Genome position (GRCh38, 1-based): chr9:95,876,046, C>T. VCF-style: chr9-95876046-C-T. GRCh37 (hg19) VCF-style: chr9-98638328-C-T.
Other names: c.8C>T, p.Pro3Leu (NM_001010895.4, NM_001375291.1, NM_001375292.1 and 2 more transcripts); short protein forms P3L.
Identifiers: ClinVar variation 1362431 (VCV001362431.5), dbSNP rs151308487, ClinGen allele CA196546419.